The following is an entry in ClinVar:

ClinVar aggregate classification (germline): Pathogenic. Review status: criteria provided, multiple submitters, no conflicts (2 of 4 stars). 4 submissions from 4 submitters: Pathogenic (3). 1 of the submissions does not count toward it. Last evaluated 2024-06-06.

Conditions:
AAAS-related disorder. Also called: AAAS-related condition.
Glucocorticoid deficiency with achalasia (AAAS). Also called: Achalasia-Addisonianism-Alacrima (Triple-A) Syndrome; Triple-A syndrome; Alacrima-achalasia-addisonianism; ACTH-resistant adrenal insufficiency, achalasia and alacrima; Glucocorticoid deficiency and achalasia; Hypoadrenalism with achalasia. Identifiers: Orphanet 869, MedGen C0271742, MONDO:0009279, OMIM 231550.

Allele frequency attached by ClinVar (database versions not stated): gnomAD exomes 0.00002 and 0.00004; gnomAD 0.00003; ExAC 0.00004; TOPMed 0.00006; ESP Exome Variant Server 0.00016.

Submissions (4):

GeneDx
Classification: Pathogenic. Last evaluated: 2024-06-06. Review status: criteria provided, single submitter. Criteria: GeneDx Variant Classification Process June 2021. Collection method: clinical testing. Allele origin: germline. Affected: yes.
Comment: Frameshift variant predicted to result in protein truncation or nonsense mediated decay in a gene for which loss of function is a known mechanism of disease; This variant is associated with the following publications: (PMID: 31589614, 11159947, 12429595)

Labcorp Genetics (formerly Invitae), Labcorp
Classification: Pathogenic. Last evaluated: 2024-02-05. Review status: criteria provided, single submitter. Criteria: Invitae Variant Classification Sherloc (09022015). Collection method: clinical testing. Allele origin: germline.
Comment: This sequence change creates a premature translational stop signal (p.Glu398Argfs*28) in the AAAS gene. It is expected to result in an absent or disrupted protein product. Loss-of-function variants in AAAS are known to be pathogenic (PMID: 11159947). This variant is present in population databases (rs746305979, gnomAD 0.02%). This premature translational stop signal has been observed in individual(s) with achalasia-addisonianism-alacrimia syndrome (PMID: 12429595). This variant is also known as 1273 Ins A. ClinVar contains an entry for this variant (Variation ID: 429542). For these reasons, this variant has been classified as Pathogenic.

Fulgent Genetics
Classification: Pathogenic for Glucocorticoid deficiency with achalasia. Last evaluated: 2022-05-13. Review status: criteria provided, single submitter. Criteria: ACMG Guidelines, 2015. Collection method: clinical testing. Allele origin: unknown.

PreventionGenetics, part of Exact Sciences
Classification: Pathogenic for AAAS-related condition. Last evaluated: 2023-12-20. Review status: no assertion criteria provided. Collection method: clinical testing. Allele origin: germline. Not counted in ClinVar's aggregate classification.
Comment: The AAAS c.1191dupA variant is predicted to result in a frameshift and premature protein termination (p.Glu398Argfs*28). This variant was reported in the compound heterozygous state with a known causative AAAS variant in an individual with Triple-A syndrome (described as 1273 Ins A in Family 2, Houlden et al. 2002. PubMed ID: 12429595). This variant is reported in 0.020% of alleles in individuals of Latino descent in gnomAD. Frameshift variants in AAAS are expected to be pathogenic. This variant is interpreted as pathogenic.

Literature cited by the submitters: PubMed 11159947 (cited by Labcorp Genetics (formerly Invitae), Labcorp); PubMed 12429595 (cited by Labcorp Genetics (formerly Invitae), Labcorp).

NM_015665.6(AAAS):c.1191dup (p.Glu398fs)

Gene: AAAS (aladin WD repeat nucleoporin; minus strand). Cytogenetic location: 12q13.13.
Variant type: Duplication.
Coding change: c.1191dup on transcript NM_015665.6 (MANE Select); coding-DNA position 1191, one base duplicated (A; older notation c.1191dupA).
Protein change: p.Glu398fs; shifts the reading frame from glutamic acid 398.
Molecular consequence: frameshift variant.
Genome position (GRCh38, 1-based): chr12:53,308,340, T duplicated on the plus strand (A on the coding strand, the reverse complement: AAAS is on the minus strand). VCF-style (leftmost placement, unchanged base first): chr12-53308339-C-CT. GRCh37 (hg19) VCF-style: chr12-53702123-C-CT.
Other names: c.1092dup, p.Glu365fs (NM_001173466.2); c.1191dupA (NM_015665.5); short protein forms E365fs, E398fs.
Identifiers: ClinVar variation 429542 (VCV000429542.12), dbSNP rs746305979, ClinGen allele CA6598932.